The following is an entry in ClinVar:

NM_057175.5(NAA15):c.2008A>G (p.Asn670Asp)

Gene: NAA15 (N-alpha-acetyltransferase 15, NatA auxiliary subunit; plus strand). Cytogenetic location: 4q31.1.
Variant type: single nucleotide variant.
Coding change: c.2008A>G on transcript NM_057175.5 (MANE Select); coding-DNA position 2008, A replaced by G.
Protein change: p.Asn670Asp; replaces asparagine 670 with aspartic acid.
Molecular consequence: missense variant.
Genome position (GRCh38, 1-based): chr4:139,376,425, A>G. VCF-style: chr4-139376425-A-G. GRCh37 (hg19) VCF-style: chr4-140297579-A-G.
Other names: c.2008A>G, p.Asn670Asp (NM_001410842.1); c.*417A>G (NM_025085.2); short protein forms N670D.
Identifiers: ClinVar variation 2572784 (VCV002572784.2), dbSNP rs2530459108, ClinGen allele CA358270071.

ClinVar aggregate classification (germline): Uncertain significance (1 of 4 stars; one submission).

Submission:

GeneDx
Classification: Uncertain significance. Last evaluated: 2025-06-20. Review status: criteria provided, single submitter. Criteria: GeneDx Variant Classification Process June 2021. Collection method: clinical testing. Allele origin: germline. Affected: yes.
Comment: Not observed at significant frequency in large population cohorts (gnomAD); In silico analysis suggests that this missense variant does not alter protein structure/function; Has not been previously published as pathogenic or benign to our knowledge